The following is an entry in ClinVar:

ClinVar aggregate classification (germline): Uncertain significance (1 of 4 stars; one submission).

Conditions:
Autosomal dominant limb-girdle muscular dystrophy type 1D (DNAJB6) (LGMDD1). Also called: MUSCULAR DYSTROPHY, LIMB-GIRDLE, TYPE 1D; MUSCULAR DYSTROPHY, AUTOSOMAL DOMINANT, WITH RIMMED VACUOLES; Autosomal dominant limb-girdle muscular dystrophy type 1D; Muscular dystrophy, limb-girdle, autosomal dominant 1. Identifiers: Orphanet 34516, MedGen C4721885, MONDO:0021018, OMIM 603511.

gnomAD v4.1: 1 of 1,533,746 alleles (0.000065%); highest among the groups gnomAD compares: Non-Finnish European, 0.000087%; no homozygotes.

Submission:

Labcorp Genetics (formerly Invitae), Labcorp
Classification: Uncertain significance for Autosomal dominant limb-girdle muscular dystrophy type 1D (DNAJB6). Last evaluated: 2025-11-18. Review status: criteria provided, single submitter. Criteria: Invitae Variant Classification Sherloc (09022015). Collection method: clinical testing. Allele origin: germline.
Comment: This sequence change replaces glycine, which is neutral and non-polar, with serine, which is neutral and polar, at codon 246 of the DNAJB6 protein (p.Gly246Ser). This variant is not present in population databases (gnomAD no frequency). This variant has not been reported in the literature in individuals affected with DNAJB6-related conditions. Invitae Evidence Modeling of protein sequence and biophysical properties (such as structural, functional, and spatial information, amino acid conservation, physicochemical variation, residue mobility, and thermodynamic stability) indicates that this missense variant is not expected to disrupt DNAJB6 protein function with a negative predictive value of 80%. In summary, the available evidence is currently insufficient to determine the role of this variant in disease. Therefore, it has been classified as a Variant of Uncertain Significance.

NM_058246.4(DNAJB6):c.736G>A (p.Gly246Ser)

Gene: DNAJB6 (DnaJ heat shock protein family (Hsp40) member B6; plus strand). Cytogenetic location: 7q36.3.
Variant type: single nucleotide variant.
Coding change: c.736G>A on transcript NM_058246.4 (MANE Select); coding-DNA position 736, G replaced by A.
Protein change: p.Gly246Ser; replaces glycine 246 with serine.
Molecular consequence: missense variant.
Genome position (GRCh38, 1-based): chr7:157,409,839, G>A. VCF-style: chr7-157409839-G-A. GRCh37 (hg19) VCF-style: chr7-157202533-G-A.
Other names: c.391G>A, p.Gly131Ser (NM_001363676.1); short protein forms G246S, G131S.
Identifiers: ClinVar variation 4701677 (VCV004701677.1).